The following is an entry in ClinVar:

NM_145059.3(FCSK):c.2288C>T (p.Ala763Val)

Gene: FCSK (fucose kinase; plus strand). Cytogenetic location: 16q22.1.
Variant type: single nucleotide variant.
Coding change: c.2288C>T on transcript NM_145059.3 (MANE Select); coding-DNA position 2288, C replaced by T.
Protein change: p.Ala763Val; replaces alanine 763 with valine.
Molecular consequence: missense variant.
Genome position (GRCh38, 1-based): chr16:70,474,922, C>T. VCF-style: chr16-70474922-C-T. GRCh37 (hg19) VCF-style: chr16-70508825-C-T.
Other names: c.2288C>T (NM_145059.2); short protein forms A763V.
Identifiers: ClinVar variation 2151288 (VCV002151288.7), dbSNP rs747895504, ClinGen allele CA8143546.

ClinVar aggregate classification (germline): Uncertain significance. Review status: criteria provided, multiple submitters, no conflicts (2 of 4 stars). 2 submissions from 2 submitters: Uncertain significance (2). Last evaluated 2025-11-12.

Allele frequency attached by ClinVar (database versions not stated): gnomAD 0.00011; TOPMed 0.00012; ExAC 0.00026.
gnomAD v4.1: 89 of 1,610,852 alleles (0.0055%); highest among the groups gnomAD compares: East Asian, 0.056%; no homozygotes.

Submissions (2):

Labcorp Genetics (formerly Invitae), Labcorp
Classification: Uncertain significance. Last evaluated: 2025-11-12. Review status: criteria provided, single submitter. Criteria: Invitae Variant Classification Sherloc (09022015). Collection method: clinical testing. Allele origin: germline.
Comment: This sequence change replaces alanine, which is neutral and non-polar, with valine, which is neutral and non-polar, at codon 763 of the FUK protein (p.Ala763Val). This variant is present in population databases (rs747895504, gnomAD 0.1%), and has an allele count higher than expected for a pathogenic variant. This variant has not been reported in the literature in individuals affected with FUK-related conditions. ClinVar contains an entry for this variant (Variation ID: 2151288). An algorithm developed to predict the effect of missense changes on protein structure and function outputs the following: PolyPhen-2: "Benign". The valine amino acid residue is found in multiple mammalian species, which suggests that this missense change does not adversely affect protein function. In summary, the available evidence is currently insufficient to determine the role of this variant in disease. Therefore, it has been classified as a Variant of Uncertain Significance.

Ambry Genetics
Classification: Uncertain significance. Last evaluated: 2025-06-10. Review status: criteria provided, single submitter. Criteria: Ambry Variant Classification Scheme 2023. Collection method: clinical testing. Allele origin: germline.